The following is an entry in ClinVar:

ClinVar aggregate classification (germline): Uncertain significance (1 of 4 stars; one submission).

Submission:

Labcorp Genetics (formerly Invitae), Labcorp
Classification: Uncertain significance. Last evaluated: 2023-07-29. Review status: criteria provided, single submitter. Criteria: Invitae Variant Classification Sherloc (09022015). Collection method: clinical testing. Allele origin: germline.
Comment: This variant has not been reported in the literature in individuals affected with FMN1-related conditions. In summary, the available evidence is currently insufficient to determine the role of this variant in disease. Therefore, it has been classified as a Variant of Uncertain Significance. Experimental studies and prediction algorithms are not available or were not evaluated, and the functional significance of this variant is currently unknown. This variant is not present in population databases (gnomAD no frequency). This sequence change replaces aspartic acid, which is acidic and polar, with asparagine, which is neutral and polar, at codon 362 of the FMN1 protein (p.Asp362Asn).

NM_001277313.2(FMN1):c.2044-1727G>A

Gene: FMN1 (formin 1; minus strand). Cytogenetic location: 15q13.3.
Variant type: single nucleotide variant.
Coding change: c.2044-1727G>A on transcript NM_001277313.2 (MANE Select); 1727 bases into the intron before coding-DNA position 2044, G replaced by A.
Molecular consequence: intron variant. On other transcripts: missense variant (1).
Genome position (GRCh38, 1-based): chr15:33,066,801, C>T on the plus strand (G>A on the coding strand, the complement: FMN1 is on the minus strand). VCF-style: chr15-33066801-C-T. GRCh37 (hg19) VCF-style: chr15-33359002-C-T.
Other names: c.1084G>A, p.Asp362Asn (NM_001103184.4); short protein forms D362N.
Identifiers: ClinVar variation 2828733 (VCV002828733.3), dbSNP rs2505233500, ClinGen allele CA391569102.